The following is an entry in ClinVar:

ClinVar aggregate classification (germline): Likely benign. Review status: criteria provided, multiple submitters, no conflicts (2 of 4 stars). 3 submissions from 3 submitters: Likely benign (2). 1 of the submissions does not count toward it. Last evaluated 2026-07-01.

Conditions:
GTF2IRD1-related disorder. Also called: GTF2IRD1-related condition.

Allele frequency attached by ClinVar (database versions not stated): gnomAD 0.00003; TOPMed 0.00005; gnomAD exomes 0.00007 and 0.00010; ExAC 0.00009; 1000 Genomes Project 30x 0.00031; 1000 Genomes Project 0.00040.
gnomAD v4.1: 112 of 1,613,440 alleles (0.0069%); highest among the groups gnomAD compares: Admixed American, 0.028%; no homozygotes.

Submissions (3):

CeGaT Center for Human Genetics Tuebingen
Classification: Likely benign. Last evaluated: 2026-07-01. Review status: criteria provided, single submitter. Criteria: CeGaT Center For Human Genetics Tuebingen Variant Classification Criteria Version 2. Collection method: clinical testing. Allele origin: germline. Affected: yes. Observed: 1 variant allele.
Comment: GTF2IRD1: BP4, BP7

Labcorp Genetics (formerly Invitae), Labcorp
Classification: Likely benign. Last evaluated: 2018-12-19. Review status: criteria provided, single submitter. Criteria: Invitae Variant Classification Sherloc (09022015). Collection method: clinical testing. Allele origin: germline.

PreventionGenetics, part of Exact Sciences
Classification: Likely benign for GTF2IRD1-related condition. Last evaluated: 2019-11-01. Review status: no assertion criteria provided. Collection method: clinical testing. Allele origin: germline. Not counted in ClinVar's aggregate classification.
Comment: This variant is classified as likely benign based on ACMG/AMP sequence variant interpretation guidelines (Richards et al. 2015 PMID: 25741868, with internal and published modifications).

NM_005685.4(GTF2IRD1):c.2703G>A (p.Ser901=)

Gene: GTF2IRD1 (GTF2I repeat domain containing 1; plus strand). Cytogenetic location: 7q11.23.
Variant type: single nucleotide variant.
Coding change: c.2703G>A on transcript NM_005685.4 (MANE Select); coding-DNA position 2703, G replaced by A.
Protein change: p.Ser901=; no amino-acid change (serine 901 retained).
Molecular consequence: synonymous variant.
Genome position (GRCh38, 1-based): chr7:74,601,117, G>A. VCF-style: chr7-74601117-G-A. GRCh37 (hg19) VCF-style: chr7-74015444-G-A.
Other names: c.2799G>A, p.Ser933= (NM_001199207.2); c.2748G>A, p.Ser916= (NM_016328.3); c.2799G>A (NM_001199207.1).
Identifiers: ClinVar variation 796858 (VCV000796858.6), dbSNP rs200547697, ClinGen allele CA4297389.